The following is an entry in ClinVar:

ClinVar aggregate classification (germline): Likely pathogenic (1 of 4 stars; one submission).

Conditions:
Hereditary hemochromatosis (HFE). Identifiers: MedGen C0392514, MONDO:0006507. Disease mechanism: loss of function.

Submission:

Labcorp Genetics (formerly Invitae), Labcorp
Classification: Likely pathogenic for Hereditary hemochromatosis. Last evaluated: 2019-12-17. Review status: criteria provided, single submitter. Criteria: Invitae Variant Classification Sherloc (09022015). Collection method: clinical testing. Allele origin: germline.
Comment: This variant has not been reported in the literature in individuals with HFE-related conditions. This variant is not present in population databases (ExAC no frequency). This sequence change affects an acceptor splice site in intron 2 of the HFE gene. It is expected to disrupt RNA splicing and likely results in an absent or disrupted protein product. In summary, the currently available evidence indicates that the variant is pathogenic, but additional data are needed to prove that conclusively. Therefore, this variant has been classified as Likely Pathogenic. Donor and acceptor splice site variants typically lead to a loss of protein function (PMID: 16199547), and loss-of-function variants in HFE are known to be pathogenic (PMID: 27518069).

Literature cited by the submitters: PubMed 16199547; PubMed 27518069.

NM_000410.4(HFE):c.341-1G>A

Gene: HFE (homeostatic iron regulator; plus strand). Cytogenetic location: 6p22.2.
Variant type: single nucleotide variant.
Coding change: c.341-1G>A on transcript NM_000410.4 (MANE Select); the canonical splice acceptor site of the intron before coding-DNA position 341, G replaced by A.
Molecular consequence: splice acceptor variant. On other transcripts: intron variant (4).
Genome position (GRCh38, 1-based): chr6:26,091,313, G>A. VCF-style: chr6-26091313-G-A. GRCh37 (hg19) VCF-style: chr6-26091541-G-A.
Other names: c.341-1G>A (NM_001406751.1, NM_001384164.1, NM_001300749.3 and 1 more transcripts); c.340+209G>A (NM_139004.3, NM_139003.3); c.272-1G>A (NM_139009.3); c.77-1G>A (NM_139007.3, NM_001406752.1, NM_139008.3); c.77-1372G>A (NM_139010.3); c.77-1806G>A (NM_139011.3).
Identifiers: ClinVar variation 845767 (VCV000845767.16), dbSNP rs1762684254, ClinGen allele CA363206391.
Genomic context (GRCh38, chr6:26,091,313, plus strand): 5'-GATGGTGGAAATAGGGACCTATTCCTTTGGTTGCAGTTAACAAGGCTGGGGATTTTTCCA[G>A]AGTCCCACACCCTGCAGGTCATCCTGGGCTGTGAAATGCAAGAAGACAACAGTACCGAGG-3'